The following is an entry in ClinVar:

ClinVar aggregate classification (germline): Uncertain significance. Review status: criteria provided, multiple submitters, no conflicts (2 of 4 stars). 2 submissions from 2 submitters: Uncertain significance (2). Last evaluated 2024-07-06.

Conditions:
Long QT syndrome (LQTS). Identifiers: MedGen C0023976, MeSH D008133, MONDO:0002442. Disease mechanism: loss of function. Inheritance: Various modes of inheritance.
Cardiovascular phenotype. Identifiers: MedGen CN230736.

Submissions (2):

Labcorp Genetics (formerly Invitae), Labcorp
Classification: Uncertain significance for Long QT syndrome. Last evaluated: 2024-07-06. Review status: criteria provided, single submitter. Criteria: Invitae Variant Classification Sherloc (09022015). Collection method: clinical testing. Allele origin: germline.
Comment: This sequence change replaces glutamic acid, which is acidic and polar, with lysine, which is basic and polar, at codon 1302 of the CACNA1C protein (p.Glu1302Lys). This variant is not present in population databases (gnomAD no frequency). This variant has not been reported in the literature in individuals affected with CACNA1C-related conditions. ClinVar contains an entry for this variant (Variation ID: 263682). Advanced modeling of protein sequence and biophysical properties (such as structural, functional, and spatial information, amino acid conservation, physicochemical variation, residue mobility, and thermodynamic stability) has been performed at Invitae for this missense variant, however the output from this modeling did not meet the statistical confidence thresholds required to predict the impact of this variant on CACNA1C protein function. Algorithms developed to predict the effect of sequence changes on RNA splicing suggest that this variant may create or strengthen a splice site. In summary, the available evidence is currently insufficient to determine the role of this variant in disease. Therefore, it has been classified as a Variant of Uncertain Significance.

Ambry Genetics
Classification: Uncertain significance for Cardiovascular phenotype. Last evaluated: 2013-07-11. Review status: criteria provided, single submitter. Criteria: Ambry Autosomal Dominant and X-Linked criteria (10/2015). Collection method: clinical testing. Allele origin: germline. Observed: 1 variant allele.
Comment: Ã¢â‚¬â€¹The p.E1302K (also known as c.3904G>A) variant is located in coding exon 30 of the CACNA1C gene. This variant results from a G to A substitution at nucleotide position 3904. The glutamate at codon 1302 is replaced by lysine, an amino acid with similar properties. This amino acid position is well conserved on sequence alignment. This variant was not reported in population-based cohorts in the following databases: Database of Single Nucleotide Polymorphisms (dbSNP), NHLBI Exome Sequencing Project (ESP) and 1000 Genomes Project. This variant is predicted to be probably damaging by PolyPhen, but tolerated by SIFT in silico analyses. Since supporting evidence is limited at this time, the clinical significance of p.E1302K remains unclear.

NM_000719.7(CACNA1C):c.3904G>A (p.Glu1302Lys)

Gene: CACNA1C (calcium voltage-gated channel subunit alpha1 C; plus strand). Cytogenetic location: 12p13.33.
Variant type: single nucleotide variant.
Coding change: c.3904G>A on transcript NM_000719.7 (MANE Select); coding-DNA position 3904, G replaced by A.
Protein change: p.Glu1302Lys; replaces glutamic acid 1302 with lysine.
Molecular consequence: missense variant. On other transcripts: intron variant (6).
Genome position (GRCh38, 1-based): chr12:2,634,372, G>A. VCF-style: chr12-2634372-G-A. GRCh37 (hg19) VCF-style: chr12-2743538-G-A.
Other names: c.4048G>A, p.Glu1350Lys (NM_001129827.2, NM_199460.4); c.3904G>A, p.Glu1302Lys (NM_001129829.2, NM_001129830.3, NM_001129834.2 and 8 more transcripts); c.3988G>A, p.Glu1330Lys (NM_001129831.2, NM_001129836.2); c.3964G>A, p.Glu1322Lys (NM_001129832.2); c.3912+660G>A (NM_001167624.3, NM_001167623.2, NM_001129833.2 and 2 more transcripts); c.3903+660G>A (NM_001129844.2); short protein forms E1302K, E1350K, E1322K, E1330K.
Identifiers: ClinVar variation 263682 (VCV000263682.12), dbSNP rs886038890, ClinGen allele CA10587745.